The following is an entry in ClinVar:

ClinVar aggregate classification (germline): Uncertain significance (1 of 4 stars; one submission).

Allele frequency attached by ClinVar (database versions not stated): gnomAD exomes below 0.00001 and 0.00001; ExAC 0.00001; ESP Exome Variant Server 0.00008.

Submission:

Labcorp Genetics (formerly Invitae), Labcorp
Classification: Uncertain significance. Last evaluated: 2022-06-20. Review status: criteria provided, single submitter. Criteria: Invitae Variant Classification Sherloc (09022015). Collection method: clinical testing. Allele origin: germline.
Comment: In summary, the available evidence is currently insufficient to determine the role of this variant in disease. Therefore, it has been classified as a Variant of Uncertain Significance. Algorithms developed to predict the effect of sequence changes on RNA splicing suggest that this variant may create or strengthen a splice site. Algorithms developed to predict the effect of missense changes on protein structure and function (SIFT, PolyPhen-2, Align-GVGD) all suggest that this variant is likely to be disruptive. This variant has not been reported in the literature in individuals affected with ZNF408-related conditions. This variant is not present in population databases (gnomAD no frequency). This sequence change replaces histidine, which is basic and polar, with arginine, which is basic and polar, at codon 486 of the ZNF408 protein (p.His486Arg).

NM_024741.3(ZNF408):c.1457A>G (p.His486Arg)

Gene: ZNF408 (zinc finger protein 408; plus strand). Cytogenetic location: 11p11.2.
Variant type: single nucleotide variant.
Coding change: c.1457A>G on transcript NM_024741.3 (MANE Select); coding-DNA position 1457, A replaced by G.
Protein change: p.His486Arg; replaces histidine 486 with arginine.
Molecular consequence: missense variant.
Genome position (GRCh38, 1-based): chr11:46,705,157, A>G. VCF-style: chr11-46705157-A-G. GRCh37 (hg19) VCF-style: chr11-46726707-A-G.
Other names: c.1433A>G, p.His478Arg (NM_001184751.2); short protein forms H486R, H478R.
Identifiers: ClinVar variation 1525303 (VCV001525303.8), dbSNP rs147665397, ClinGen allele CA5966573.